The following is an entry in ClinVar:

NM_032043.3(BRIP1):c.1756G>T (p.Val586Phe)

Gene: BRIP1 (BRCA1 interacting DNA helicase 1; minus strand). Cytogenetic location: 17q23.2.
Variant type: single nucleotide variant.
Coding change: c.1756G>T on transcript NM_032043.3 (MANE Select); coding-DNA position 1756, G replaced by T.
Protein change: p.Val586Phe; replaces valine 586 with phenylalanine.
Molecular consequence: missense variant.
Genome position (GRCh38, 1-based): chr17:61,780,878, C>A on the plus strand (G>T on the coding strand, the complement: BRIP1 is on the minus strand). VCF-style: chr17-61780878-C-A. GRCh37 (hg19) VCF-style: chr17-59858239-C-A.
Other names: short protein forms V586F.
Identifiers: ClinVar variation 5033461 (VCV005033461.1).
Genomic context (GRCh38, chr17:61,780,878, plus strand): 5'-TCCATTTACATGATGAGCTTACCACAGCTGGATTTAAGCACCAAAAGTTTAGCACATGAA[C>A]TGCAGTTTTCTGTCGTGAACGTTTCTTATTTTTTGGTAGAACCAACAACCCATTTTTGTC-3'
Protein context (NP_114432.2, residues 576-596): NKKRSRQKTA[Val586Phe]HVLNFWCLNP

ClinVar aggregate classification (germline): Uncertain significance (1 of 4 stars; one submission).

Conditions:
Hereditary cancer-predisposing syndrome. Also called: Neoplastic Syndromes, Hereditary; Tumor predisposition; Hereditary neoplastic syndrome; Hereditary Cancer Syndrome. Identifiers: Orphanet 140162, MedGen C0027672, MeSH D009386, MONDO:0015356.

gnomAD v4.1: 1 of 1,614,194 alleles (0.000062%); highest among the groups gnomAD compares: Non-Finnish European, 0.000085%; no homozygotes.

Submission:

Ambry Genetics
Classification: Uncertain significance for Hereditary cancer-predisposing syndrome. Last evaluated: 2026-08-31. Review status: criteria provided, single submitter. Criteria: Ambry Variant Classification Scheme 2023. Collection method: clinical testing. Allele origin: germline.
Comment: The p.V586F variant (also known as c.1756G>T), located in coding exon 11 of the BRIP1 gene, results from a G to T substitution at nucleotide position 1756. The valine at codon 586 is replaced by phenylalanine, an amino acid with highly similar properties. This amino acid position is conserved. In addition, this alteration is predicted to be tolerated by in silico analysis. Based on the available evidence, the clinical significance of this variant remains unclear.